The following is an entry in ClinVar:

NC_000009.11:g.(?_325651)_(336738_?)del

Gene: DOCK8 (dedicator of cytokinesis 8; plus strand). Cytogenetic location: 9p24.3.
Variant type: Deletion.
Identifiers: ClinVar variation 2427706 (VCV002427706.8).

ClinVar aggregate classification (germline): Pathogenic (1 of 4 stars; one submission).

Conditions:
Hyper-IgE recurrent infection syndrome 3, autosomal recessive. Also called: Autosomal recessive hyper-IgE syndrome due to ZNF341 deficiency; HYPER-IgE SYNDROME 3, AUTOSOMAL RECESSIVE, WITH RECURRENT INFECTIONS. Identifiers: Orphanet 641368, MedGen C4748969, MONDO:0032654, OMIM 618282.

Submission:

Labcorp Genetics (formerly Invitae), Labcorp
Classification: Pathogenic for Combined immunodeficiency due to DOCK8 deficiency. Last evaluated: 2022-01-23. Review status: criteria provided, single submitter. Criteria: Invitae Variant Classification Sherloc (09022015). Collection method: clinical testing. Allele origin: germline.
Comment: For these reasons, this variant has been classified as Pathogenic. This variant has not been reported in the literature in individuals affected with DOCK8-related conditions. This variant is a gross deletion of the genomic region encompassing exon(s) 8-12 of the DOCK8 gene. This deletion is out-of-frame, and is expected to create a premature termination codon and result in an absent or disrupted protein product. Loss-of-function variants in DOCK8 are known to be pathogenic (PMID: 14722525, 19776401).

Literature cited by the submitters: PubMed 14722525; PubMed 19776401.